The following is an entry in ClinVar:

ClinVar aggregate classification (germline): Uncertain significance. Review status: criteria provided, multiple submitters, no conflicts (2 of 4 stars). 3 submissions from 3 submitters: Uncertain significance (3). Last evaluated 2025-02-08.

Conditions:
Inborn genetic diseases. Identifiers: MedGen C0950123, MeSH D030342.

Allele frequency attached by ClinVar (database versions not stated): gnomAD exomes below 0.00001; TOPMed below 0.00001; ExAC 0.00001.
gnomAD v4.1: 2 of 1,613,758 alleles (0.00012%); highest among the groups gnomAD compares: African/African-American, 0.0013%; no homozygotes.

Submissions (3):

Ambry Genetics
Classification: Uncertain significance for Inborn genetic diseases. Last evaluated: 2025-02-08. Review status: criteria provided, single submitter. Criteria: Ambry Variant Classification Scheme 2023. Collection method: clinical testing. Allele origin: germline.
Comment: The p.G88R variant (also known as c.262G>A), located in coding exon 1 of the SAMD9L gene, results from a G to A substitution at nucleotide position 262. The glycine at codon 88 is replaced by arginine, an amino acid with dissimilar properties. This amino acid position is conserved. In addition, this alteration is predicted to be tolerated by in silico analysis. Based on the available evidence, the clinical significance of this variant remains unclear.

GeneDx
Classification: Uncertain significance. Last evaluated: 2024-03-12. Review status: criteria provided, single submitter. Criteria: GeneDx Variant Classification Process June 2021. Collection method: clinical testing. Allele origin: germline. Affected: yes.
Comment: Not observed at significant frequency in large population cohorts (gnomAD); In silico analysis supports that this missense variant does not alter protein structure/function; Has not been previously published as pathogenic or benign to our knowledge

Labcorp Genetics (formerly Invitae), Labcorp
Classification: Uncertain significance. Last evaluated: 2022-04-08. Review status: criteria provided, single submitter. Criteria: Invitae Variant Classification Sherloc (09022015). Collection method: clinical testing. Allele origin: germline.
Comment: In summary, the available evidence is currently insufficient to determine the role of this variant in disease. Therefore, it has been classified as a Variant of Uncertain Significance. Algorithms developed to predict the effect of missense changes on protein structure and function output the following: SIFT: "Not Available"; PolyPhen-2: "Benign"; Align-GVGD: "Not Available". The arginine amino acid residue is found in multiple mammalian species, which suggests that this missense change does not adversely affect protein function. This variant has not been reported in the literature in individuals affected with SAMD9L-related conditions. This variant is present in population databases (rs759789726, gnomAD 0.007%). This sequence change replaces glycine, which is neutral and non-polar, with arginine, which is basic and polar, at codon 88 of the SAMD9L protein (p.Gly88Arg).

NM_152703.5(SAMD9L):c.262G>A (p.Gly88Arg)

Gene: SAMD9L (sterile alpha motif domain containing 9 like; minus strand). Cytogenetic location: 7q21.2.
Variant type: single nucleotide variant.
Coding change: c.262G>A on transcript NM_152703.5 (MANE Select); coding-DNA position 262, G replaced by A.
Protein change: p.Gly88Arg; replaces glycine 88 with arginine.
Molecular consequence: missense variant.
Genome position (GRCh38, 1-based): chr7:93,135,710, C>T on the plus strand (G>A on the coding strand, the complement: SAMD9L is on the minus strand). VCF-style: chr7-93135710-C-T. GRCh37 (hg19) VCF-style: chr7-92765023-C-T.
Other names: c.262G>A (NM_152703.2, NM_152703.3); c.262G>A, p.Gly88Arg (NM_001303496.3, NM_001303497.3, NM_001303498.3 and 5 more transcripts); short protein forms G88R.
Identifiers: ClinVar variation 1930921 (VCV001930921.7), dbSNP rs759789726, ClinGen allele CA4343900.
Genomic context (GRCh38, chr7:93,135,710, plus strand): 5'-TGGTGTGTTTTGGATTTTTCTGGTGTTCTGTTTTGGACGGTTTTGAATTATCTAATTGTC[C>T]CGGATCATGATTGTCACTTTCAGGGGACTTACTATTCAATTTGTTGTATGAACGTTTTAT-3'
Protein context (NP_689916.2, residues 78-98): KSPESDNHDP[Gly88Arg]QLDNSKPSKT